The following is an entry in ClinVar:

NM_004415.4(DSP):c.4865C>T (p.Ala1622Val)

Gene: DSP (desmoplakin; plus strand). Cytogenetic location: 6p24.3.
Variant type: single nucleotide variant.
Coding change: c.4865C>T on transcript NM_004415.4 (MANE Select); coding-DNA position 4865, C replaced by T.
Protein change: p.Ala1622Val; replaces alanine 1622 with valine.
Molecular consequence: missense variant. On other transcripts: intron variant (2).
Genome position (GRCh38, 1-based): chr6:7,581,055, C>T. VCF-style: chr6-7581055-C-T. GRCh37 (hg19) VCF-style: chr6-7581288-C-T.
Other names: c.4050+815C>T (NM_001319034.2); c.3582+1283C>T (NM_001008844.3); short protein forms A1622V.
Identifiers: ClinVar variation 2453248 (VCV002453248.3), dbSNP rs1759421103, ClinGen allele CA362687332.
Genomic context (GRCh38, chr6:7,581,055, plus strand): 5'-GGAGGTCGCTGAAGGAGCAAGCCATCAAAATCACCAACCTGACCCAGCAGCTGGAGCAGG[C>T]ATCCATTGTTAAGAAGAGGAGTGAGGATGACCTCCGGCAGCAGAGGGACGTGCTGGATGG-3'
Protein context (NP_004406.2, residues 1612-1632): ITNLTQQLEQ[Ala1622Val]SIVKKRSEDD

ClinVar aggregate classification (germline): Uncertain significance. Review status: criteria provided, multiple submitters, no conflicts (2 of 4 stars). 2 submissions from 2 submitters: Uncertain significance (2). Last evaluated 2025-12-09.

Conditions:
Cardiomyopathy (CMYO). Also called: Cardiomyopathies. Identifiers: Orphanet 167848, MedGen C0878544, MONDO:0004994, HP:0001638. Inheritance: Various modes of inheritance.
Cardiovascular phenotype. Identifiers: MedGen CN230736.

Allele frequency attached by ClinVar (database versions not stated): gnomAD exomes below 0.00001.

Submissions (2):

Color Diagnostics, LLC DBA Color Health
Classification: Uncertain significance for Cardiomyopathy. Last evaluated: 2025-12-09. Review status: criteria provided, single submitter. Criteria: ACMG Guidelines, 2015. Collection method: clinical testing. Allele origin: germline.
Comment: This missense variant replaces alanine with valine at codon 1622 of the DSP protein. Computational prediction suggests that this variant may not impact protein structure and function. To our knowledge, functional studies have not been reported for this variant. This variant has not been reported in individuals affected with DSP-related disorders in the literature. This variant has been identified in 1/1614032 chromosomes in the general population by the Genome Aggregation Database (gnomAD). The available evidence is insufficient to determine the role of this variant in disease conclusively. Therefore, this variant is classified as a Variant of Uncertain Significance.

Ambry Genetics
Classification: Uncertain significance for Cardiovascular phenotype. Last evaluated: 2022-12-23. Review status: criteria provided, single submitter. Criteria: Ambry Variant Classification Scheme 2023. Collection method: clinical testing. Allele origin: germline.
Comment: The p.A1622V variant (also known as c.4865C>T), located in coding exon 23 of the DSP gene, results from a C to T substitution at nucleotide position 4865. The alanine at codon 1622 is replaced by valine, an amino acid with similar properties. This amino acid position is conserved. In addition, this alteration is predicted to be tolerated by in silico analysis. Since supporting evidence is limited at this time, the clinical significance of this alteration remains unclear.